The following is an entry in ClinVar:

NM_003000.3(SDHB):c.338G>A (p.Cys113Tyr)

Gene: SDHB (succinate dehydrogenase complex iron sulfur subunit B; minus strand). Cytogenetic location: 1p36.13.
Variant type: single nucleotide variant.
Coding change: c.338G>A on transcript NM_003000.3 (MANE Select); coding-DNA position 338, G replaced by A.
Protein change: p.Cys113Tyr; replaces cysteine 113 with tyrosine.
Molecular consequence: missense variant.
Genome position (GRCh38, 1-based): chr1:17,028,685, C>T on the plus strand (G>A on the coding strand, the complement: SDHB is on the minus strand). VCF-style: chr1-17028685-C-T. GRCh37 (hg19) VCF-style: chr1-17355180-C-T.
Other names: short protein forms C113Y.
Identifiers: ClinVar variation 941363 (VCV000941363.8), dbSNP rs864321636, ClinGen allele CA338274769.

ClinVar aggregate classification (germline): Pathogenic. Review status: criteria provided, single submitter (1 of 4 stars). 2 submissions from 2 submitters: Pathogenic (1). 1 of the submissions does not count toward it. Last evaluated 2021-02-21.

Conditions:
Inherited phaeochromocytoma and paraganglioma excluding NF1.
Gastrointestinal stromal tumor. Also called: Gastrointestinal stromal tumor, somatic; Gastrointestinal stroma tumor. Identifiers: Orphanet 44890, MedGen C0238198, MeSH D046152, MONDO:0011719, OMIM 606764, HP:0100723.
Pheochromocytoma/paraganglioma syndrome 4. Also called: CAROTID BODY TUMORS AND MULTIPLE EXTRAADRENAL PHEOCHROMOCYTOMAS; SDHB-Related Hereditary Paraganglioma-Pheochromocytoma Syndrome; Paragangliomas 4; SDHB-Related Hereditary Paraganglioma-Pheochromocytoma Syndrome (Paragangliomas 4); PARAGANGLIOMA, FAMILIAL MALIGNANT; PARAGANGLIOMAS, HEREDITARY EXTRAADRENAL. Identifiers: Orphanet 29072, MedGen C1861848, MONDO:0007273, OMIM 115310.
Pheochromocytoma. Also called: MAX-Related Hereditary Paraganglioma-Pheochromocytoma Syndrome. Identifiers: Orphanet 29072, MedGen C0031511, MONDO:0008233, OMIM 171300, HP:0002666.

Allele frequency attached by ClinVar (database versions not stated): gnomAD exomes below 0.00001.
gnomAD v4.1: 2 of 1,614,162 alleles (0.00012%); highest among the groups gnomAD compares: Non-Finnish European, 0.00017%; no homozygotes.

Submissions (2):

Labcorp Genetics (formerly Invitae), Labcorp
Classification: Pathogenic for Gastrointestinal stromal tumor; Pheochromocytoma/paraganglioma syndrome 4; Pheochromocytoma. Last evaluated: 2021-02-21. Review status: criteria provided, single submitter. Criteria: Invitae Variant Classification Sherloc (09022015). Collection method: clinical testing. Allele origin: germline.
Comment: For these reasons, this variant has been classified as Pathogenic. This variant disrupts the p.Cys113 amino acid residue in SDHB. Other variant(s) that disrupt this residue have been observed in individuals with SDHB-related conditions (PMID: 27539324), which suggests that this may be a clinically significant amino acid residue. This variant has been reported to affect SDHB protein function (PMID: 26719882). This variant has been observed to segregate with paraganglioma in a family and has also been reported in individuals with SDHB-related conditions (PMID: 27896548, 30694796, 19802898, 25025441, Invitae). This variant is not present in population databases (ExAC no frequency). This sequence change replaces cysteine with tyrosine at codon 113 of the SDHB protein (p.Cys113Tyr). The cysteine residue is highly conserved and there is a large physicochemical difference between cysteine and tyrosine.

Exeter Genomics Laboratory, Royal Devon University Healthcare NHS Foundation Trust
Classification: Pathogenic for Inherited phaeochromocytoma and paraganglioma excluding NF1. Last evaluated: 2025-06-12. Review status: no assertion criteria provided. Collection method: clinical testing. Allele origin: germline. Affected: yes. Not counted in ClinVar's aggregate classification.

Literature cited by the submitters: PubMed 27539324 (cited by Labcorp Genetics (formerly Invitae), Labcorp); PubMed 26719882 (cited by Labcorp Genetics (formerly Invitae), Labcorp); PubMed 27896548 (cited by Labcorp Genetics (formerly Invitae), Labcorp); PubMed 30694796 (cited by Labcorp Genetics (formerly Invitae), Labcorp); PubMed 19802898 (cited by Labcorp Genetics (formerly Invitae), Labcorp); PubMed 25025441 (cited by Labcorp Genetics (formerly Invitae), Labcorp).